The following is an entry in ClinVar:

ClinVar aggregate classification (germline): Uncertain significance (1 of 4 stars; one submission).

Conditions:
Neurofibromatosis, type 1 (NF1). Also called: Peripheral type neurofibromatosis; Neurofibromatosis, type I; NEUROFIBROMATOSIS, TYPE I, SOMATIC; VON RECKLINGHAUSEN DISEASE. Identifiers: Orphanet 636, MedGen C0027831, MONDO:0018975, OMIM 162200. Disease mechanism: loss of function.

Submission:

Labcorp Genetics (formerly Invitae), Labcorp
Classification: Uncertain significance for Neurofibromatosis, type 1. Last evaluated: 2025-03-07. Review status: criteria provided, single submitter. Criteria: Invitae Variant Classification Sherloc (09022015). Collection method: clinical testing. Allele origin: germline.
Comment: This sequence change replaces valine, which is neutral and non-polar, with alanine, which is neutral and non-polar, at codon 172 of the NF1 protein (p.Val172Ala). This variant is not present in population databases (gnomAD no frequency). This variant has not been reported in the literature in individuals affected with NF1-related conditions. Invitae Evidence Modeling of protein sequence and biophysical properties (such as structural, functional, and spatial information, amino acid conservation, physicochemical variation, residue mobility, and thermodynamic stability) indicates that this missense variant is not expected to disrupt NF1 protein function with a negative predictive value of 95%. In summary, the available evidence is currently insufficient to determine the role of this variant in disease. Therefore, it has been classified as a Variant of Uncertain Significance.

NM_001042492.3(NF1):c.515T>C (p.Val172Ala)

Gene: NF1 (neurofibromin 1; plus strand). Cytogenetic location: 17q11.2.
Variant type: single nucleotide variant.
Coding change: c.515T>C on transcript NM_001042492.3 (MANE Select); coding-DNA position 515, T replaced by C.
Protein change: p.Val172Ala; replaces valine 172 with alanine.
Molecular consequence: missense variant.
Genome position (GRCh38, 1-based): chr17:31,169,926, T>C. VCF-style: chr17-31169926-T-C. GRCh37 (hg19) VCF-style: chr17-29496944-T-C.
Other names: c.515T>C, p.Val172Ala (NM_000267.4, NM_001128147.3); short protein forms V172A.
Identifiers: ClinVar variation 4810389 (VCV004810389.1).
Genomic context (GRCh38, chr17:31,169,926, plus strand): 5'-GTTAATTTTGGTTTTTACTTTTTAGGTTACAGGAATTAACTGTTTGTTCAGAAGACAATG[T>C]TGATGTTCATGATATAGAATTGTTACAGTATATCAATGTGGATTGTGCAAAATTAAAACG-3'
Protein context (NP_001035957.1, residues 162-182): QELTVCSEDN[Val172Ala]DVHDIELLQY